The following is an entry in ClinVar:

NM_000077.5(CDKN2A):c.349C>A (p.Leu117Met)

Gene: CDKN2A (cyclin dependent kinase inhibitor 2A; minus strand). Cytogenetic location: 9p21.3.
Variant type: single nucleotide variant.
Coding change: c.349C>A on transcript NM_000077.5; coding-DNA position 349, C replaced by A.
Protein change: p.Leu117Met; replaces leucine 117 with methionine.
Molecular consequence: missense variant (on NM_000077.6). On other transcripts: 3 prime UTR variant (1).
Genome position (GRCh38, 1-based): chr9:21,971,010, G>T on the plus strand (C>A on the coding strand, the complement: CDKN2A is on the minus strand). VCF-style: chr9-21971010-G-T. GRCh37 (hg19) VCF-style: chr9-21971009-G-T.
Other names: c.349C>A, p.Leu117Met (NM_000077.6, NM_001195132.2); c.196C>A, p.Leu66Met (NM_001363763.2); c.392C>A, p.Pro131His (NM_058195.4); c.*272C>A (NM_058197.5); short protein forms L66M, L117M, P131H.
Identifiers: ClinVar variation 4224775 (VCV004224775.1).

ClinVar aggregate classification (germline): Uncertain significance (1 of 4 stars; one submission).

Conditions:
Hereditary cancer-predisposing syndrome. Also called: Neoplastic Syndromes, Hereditary; Tumor predisposition; Hereditary neoplastic syndrome; Hereditary Cancer Syndrome. Identifiers: Orphanet 140162, MedGen C0027672, MeSH D009386, MONDO:0015356.

Submission:

Ambry Genetics
Classification: Uncertain significance for Hereditary cancer-predisposing syndrome. Last evaluated: 2025-06-26. Review status: criteria provided, single submitter. Criteria: Ambry Variant Classification Scheme 2023. Collection method: clinical testing. Allele origin: germline.
Comment: The p.L117M variant (also known as c.349C>A), located in coding exon 2 of the CDKN2A gene, results from a C to A substitution at nucleotide position 349. The leucine at codon 117 is replaced by methionine, an amino acid with highly similar properties. Of note, this variant is also known as c.392C>A (p.P131H)in the p14(ARF) isoform. This amino acid position is well conserved in available vertebrate species. In addition, this alteration is predicted to be deleterious by in silico analysis. Based on the available evidence, the clinical significance of this variant remains unclear.